The following is an entry in ClinVar:

NM_138711.6(PPARG):c.76C>G (p.His26Asp)

Gene: PPARG (peroxisome proliferator activated receptor gamma; plus strand). Cytogenetic location: 3p25.2.
Variant type: single nucleotide variant.
Coding change: c.76C>G on transcript NM_138711.6 (MANE Select); coding-DNA position 76, C replaced by G.
Protein change: p.His26Asp; replaces histidine 26 with aspartic acid.
Molecular consequence: missense variant. On other transcripts: 5 prime UTR variant (1).
Genome position (GRCh38, 1-based): chr3:12,379,787, C>G. VCF-style: chr3-12379787-C-G. GRCh37 (hg19) VCF-style: chr3-12421286-C-G.
Other names: c.76C>G, p.His26Asp (NM_001330615.4, NM_001354666.3, NM_001354667.3 and 6 more transcripts); c.166C>G, p.His56Asp (NM_001354668.2, NM_001374265.1, NM_015869.5); c.-352C>G (NM_001354669.2); c.82C>G, p.His28Asp (NM_001354670.2, NM_001374266.1); short protein forms H26D, H28D, H56D.
Identifiers: ClinVar variation 4803140 (VCV004803140.1).

ClinVar aggregate classification (germline): Uncertain significance (1 of 4 stars; one submission).

gnomAD v4.1: 2 of 1,613,990 alleles (0.00012%); highest among the groups gnomAD compares: Non-Finnish European, 0.00017%; no homozygotes.

Submission:

Labcorp Genetics (formerly Invitae), Labcorp
Classification: Uncertain significance. Last evaluated: 2025-08-25. Review status: criteria provided, single submitter. Criteria: Invitae Variant Classification Sherloc (09022015). Collection method: clinical testing. Allele origin: germline.
Comment: This sequence change replaces histidine, which is basic and polar, with aspartic acid, which is acidic and polar, at codon 56 of the PPARG protein (p.His56Asp). This variant is present in population databases (no rsID available, gnomAD 0.0009%). This variant has not been reported in the literature in individuals affected with PPARG-related conditions. Invitae Evidence Modeling of protein sequence and biophysical properties (such as structural, functional, and spatial information, amino acid conservation, physicochemical variation, residue mobility, and thermodynamic stability) indicates that this missense variant is not expected to disrupt PPARG protein function with a negative predictive value of 95%. In summary, the available evidence is currently insufficient to determine the role of this variant in disease. Therefore, it has been classified as a Variant of Uncertain Significance.